The following is an entry in ClinVar:

NM_001009999.3(KDM1A):c.209C>T (p.Pro70Leu)

Gene: KDM1A (lysine demethylase 1A; plus strand). Cytogenetic location: 1p36.12.
Variant type: single nucleotide variant.
Coding change: c.209C>T on transcript NM_001009999.3 (MANE Select); coding-DNA position 209, C replaced by T.
Protein change: p.Pro70Leu; replaces proline 70 with leucine.
Molecular consequence: missense variant.
Genome position (GRCh38, 1-based): chr1:23,019,805, C>T. VCF-style: chr1-23019805-C-T. GRCh37 (hg19) VCF-style: chr1-23346298-C-T.
Other names: c.209C>T, p.Pro70Leu (NM_001363654.2, NM_001410762.1, NM_001410763.1 and 1 more transcripts); c.209C>T (NM_001009999.2); short protein forms P70L.
Identifiers: ClinVar variation 2783401 (VCV002783401.4), dbSNP rs1213416185, ClinGen allele CA338951585.

ClinVar aggregate classification (germline): Uncertain significance. Review status: criteria provided, multiple submitters, no conflicts (2 of 4 stars). 2 submissions from 2 submitters: Uncertain significance (2). Last evaluated 2025-02-14.

Conditions:
Inborn genetic diseases. Identifiers: MedGen C0950123, MeSH D030342.

Allele frequency attached by ClinVar (database versions not stated): gnomAD 0.00001; TOPMed 0.00002.
gnomAD v4.1: 3 of 1,398,344 alleles (0.00021%); highest among the groups gnomAD compares: East Asian, 0.0092%; no homozygotes.

Submissions (2):

Ambry Genetics
Classification: Uncertain significance for Inborn genetic diseases. Last evaluated: 2025-02-14. Review status: criteria provided, single submitter. Criteria: Ambry Variant Classification Scheme 2023. Collection method: clinical testing. Allele origin: germline.
Comment: The p.P70L variant (also known as c.209C>T), located in coding exon 1 of the KDM1A gene, results from a C to T substitution at nucleotide position 209. The proline at codon 70 is replaced by leucine, an amino acid with similar properties. This amino acid position is conserved. In addition, this alteration is predicted to be tolerated by in silico analysis. Based on the available evidence, the clinical significance of this variant remains unclear.

Labcorp Genetics (formerly Invitae), Labcorp
Classification: Uncertain significance. Last evaluated: 2023-12-20. Review status: criteria provided, single submitter. Criteria: Invitae Variant Classification Sherloc (09022015). Collection method: clinical testing. Allele origin: germline.
Comment: This sequence change replaces proline, which is neutral and non-polar, with leucine, which is neutral and non-polar, at codon 70 of the KDM1A protein (p.Pro70Leu). This variant is present in population databases (no rsID available, gnomAD 0.05%). This variant has not been reported in the literature in individuals affected with KDM1A-related conditions. An algorithm developed to predict the effect of missense changes on protein structure and function (PolyPhen-2) suggests that this variant is likely to be disruptive. In summary, the available evidence is currently insufficient to determine the role of this variant in disease. Therefore, it has been classified as a Variant of Uncertain Significance.